The following is an entry in ClinVar:

NM_004304.5(ALK):c.1061A>G (p.His354Arg)

Gene: ALK (ALK receptor tyrosine kinase; minus strand). Cytogenetic location: 2p23.2.
Variant type: single nucleotide variant.
Coding change: c.1061A>G on transcript NM_004304.5 (MANE Select); coding-DNA position 1061, A replaced by G.
Protein change: p.His354Arg; replaces histidine 354 with arginine.
Molecular consequence: missense variant.
Genome position (GRCh38, 1-based): chr2:29,532,008, T>C on the plus strand (A>G on the coding strand, the complement: ALK is on the minus strand). VCF-style: chr2-29532008-T-C. GRCh37 (hg19) VCF-style: chr2-29754874-T-C.
Other names: short protein forms H354R.
Identifiers: ClinVar variation 3639366 (VCV003639366.2).

ClinVar aggregate classification (germline): Uncertain significance (1 of 4 stars; one submission).

Conditions:
Neuroblastoma, susceptibility to, 3. Also called: ALK-Related Neuroblastic Tumor Susceptibility. Identifiers: Orphanet 635, MedGen C2751681, MONDO:0013083, OMIM 613014.

Submission:

Labcorp Genetics (formerly Invitae), Labcorp
Classification: Uncertain significance for Neuroblastoma, susceptibility to, 3. Last evaluated: 2024-02-07. Review status: criteria provided, single submitter. Criteria: Invitae Variant Classification Sherloc (09022015). Collection method: clinical testing. Allele origin: germline.
Comment: This sequence change replaces histidine, which is basic and polar, with arginine, which is basic and polar, at codon 354 of the ALK protein (p.His354Arg). This variant is not present in population databases (gnomAD no frequency). This variant has not been reported in the literature in individuals affected with ALK-related conditions. An algorithm developed to predict the effect of missense changes on protein structure and function (PolyPhen-2) suggests that this variant is likely to be disruptive. In summary, the available evidence is currently insufficient to determine the role of this variant in disease. Therefore, it has been classified as a Variant of Uncertain Significance.